The following is an entry in ClinVar:

ClinVar aggregate classification (germline): Uncertain significance (1 of 4 stars; one submission).

Allele frequency attached by ClinVar (database versions not stated): gnomAD exomes below 0.00001; TOPMed below 0.00001; gnomAD 0.00001.
gnomAD v4.1: 2 of 1,614,072 alleles (0.00012%); highest among the groups gnomAD compares: Admixed American, 0.0033%; no homozygotes.

Submission:

Labcorp Genetics (formerly Invitae), Labcorp
Classification: Uncertain significance. Last evaluated: 2026-01-19. Review status: criteria provided, single submitter. Criteria: Invitae Variant Classification Sherloc (09022015). Collection method: clinical testing. Allele origin: germline.
Comment: This sequence change replaces lysine, which is basic and polar, with arginine, which is basic and polar, at codon 787 of the MCM3AP protein (p.Lys787Arg). This variant is not present in population databases (gnomAD no frequency). This variant has not been reported in the literature in individuals affected with MCM3AP-related conditions. ClinVar contains an entry for this variant (Variation ID: 1348784). An algorithm developed to predict the effect of missense changes on protein structure and function (PolyPhen-2) suggests that this variant is likely to be disruptive. In summary, the available evidence is currently insufficient to determine the role of this variant in disease. Therefore, it has been classified as a Variant of Uncertain Significance.

NM_003906.5(MCM3AP):c.2360A>G (p.Lys787Arg)

Gene: MCM3AP (minichromosome maintenance complex component 3 associated protein; minus strand). Cytogenetic location: 21q22.3.
Variant type: single nucleotide variant.
Coding change: c.2360A>G on transcript NM_003906.5 (MANE Select); coding-DNA position 2360, A replaced by G.
Protein change: p.Lys787Arg; replaces lysine 787 with arginine.
Molecular consequence: missense variant.
Genome position (GRCh38, 1-based): chr21:46,272,666, T>C on the plus strand (A>G on the coding strand, the complement: MCM3AP is on the minus strand). VCF-style: chr21-46272666-T-C. GRCh37 (hg19) VCF-style: chr21-47692580-T-C.
Other names: short protein forms K787R.
Identifiers: ClinVar variation 1348784 (VCV001348784.5), dbSNP rs1282333982, ClinGen allele CA410524053.